The following is an entry in ClinVar:

NM_001081.4(CUBN):c.4A>G (p.Met2Val)

Gene: CUBN (cubilin; minus strand). Cytogenetic location: 10p13.
Variant type: single nucleotide variant.
Coding change: c.4A>G on transcript NM_001081.4 (MANE Select); coding-DNA position 4, A replaced by G.
Protein change: p.Met2Val; replaces methionine 2 with valine.
Molecular consequence: missense variant.
Genome position (GRCh38, 1-based): chr10:17,129,762, T>C on the plus strand (A>G on the coding strand, the complement: CUBN is on the minus strand). VCF-style: chr10-17129762-T-C. GRCh37 (hg19) VCF-style: chr10-17171761-T-C.
Other names: p.Met2Val; short protein forms M2V.
Identifiers: ClinVar variation 2860396 (VCV002860396.4), dbSNP rs200499216, ClinGen allele CA5425814.

ClinVar aggregate classification (germline): Uncertain significance. Review status: criteria provided, multiple submitters, no conflicts (2 of 4 stars). 2 submissions from 2 submitters: Uncertain significance (2). Last evaluated 2024-04-16.

Conditions:
Imerslund-Grasbeck syndrome. Also called: PERNICIOUS ANEMIA, JUVENILE, DUE TO SELECTIVE INTESTINAL MALABSORPTION OF VITAMIN B12, WITH PROTEINURIA; ENTEROCYTE COBALAMIN MALABSORPTION; ENTEROCYTE INTRINSIC FACTOR RECEPTOR, DEFECT OF; Imerslund-Gräsbeck syndrome; Megaloblastic anemia due to inborn errors of metabolism. Identifiers: Orphanet 35858, MedGen C4551825, MONDO:0009853.

Allele frequency attached by ClinVar (database versions not stated): gnomAD exomes 0.00001; ExAC 0.00002; TOPMed 0.00005; gnomAD 0.00007; 1000 Genomes Project 30x 0.00016; 1000 Genomes Project 0.00020.
gnomAD v4.1: 25 of 1,614,074 alleles (0.0015%); highest among the groups gnomAD compares: African/African-American, 0.032%; no homozygotes.

Submissions (2):

Mayo Clinic Laboratories, Mayo Clinic
Classification: Uncertain significance. Last evaluated: 2024-04-16. Review status: criteria provided, single submitter. Criteria: ACMG Guidelines, 2015. Collection method: clinical testing. Allele origin: germline. Observed: 1 variant allele.
Comment: BP4

Labcorp Genetics (formerly Invitae), Labcorp
Classification: Uncertain significance for Imerslund-Grasbeck syndrome. Last evaluated: 2023-10-08. Review status: criteria provided, single submitter. Criteria: Invitae Variant Classification Sherloc (09022015). Collection method: clinical testing. Allele origin: germline.
Comment: This sequence change replaces methionine, which is neutral and non-polar, with valine, which is neutral and non-polar, at codon 2 of the CUBN protein (p.Met2Val). This variant is present in population databases (rs200499216, gnomAD 0.04%). This variant has not been reported in the literature in individuals affected with CUBN-related conditions. An algorithm developed to predict the effect of missense changes on protein structure and function (PolyPhen-2) suggests that this variant is likely to be tolerated. In summary, the available evidence is currently insufficient to determine the role of this variant in disease. Therefore, it has been classified as a Variant of Uncertain Significance.